The following is an entry in ClinVar:

ClinVar aggregate classification (germline): Pathogenic/Likely pathogenic. Review status: criteria provided, multiple submitters, no conflicts (2 of 4 stars). 5 submissions from 5 submitters: Pathogenic (3); Likely pathogenic (1). 1 of the submissions does not count toward it. Last evaluated 2024-09-03.

Conditions:
Hereditary breast ovarian cancer syndrome. Also called: Hereditary breast and ovarian cancer syndrome; Hereditary breast and ovarian cancer; Hereditary breast and/or ovarian cancer syndrome; Breast and ovarian cancer; Hereditary breast and ovarian cancer syndrome (HBOC); BRCA1- and BRCA2-Associated Hereditary Breast and Ovarian Cancer. Identifiers: Orphanet 145, MedGen C0677776, MeSH D061325, MONDO:0003582. Disease mechanism: loss of function.
Familial cancer of breast. Also called: Hereditary breast cancer; BREAST CANCER, FAMILIAL; hereditary breast carcinoma. Identifiers: Orphanet 227535, MedGen C0346153, MONDO:0016419, OMIM 114480. Disease mechanism: loss of function.
Hereditary cancer-predisposing syndrome. Also called: Tumor predisposition; Hereditary neoplastic syndrome; Neoplastic Syndromes, Hereditary; Hereditary Cancer Syndrome. Identifiers: Orphanet 140162, MedGen C0027672, MeSH D009386, MONDO:0015356.
Gastric cancer. Also called: Stomach cancer; Malignant tumor of stomach. Identifiers: MedGen C0024623, MeSH D013274, MONDO:0001056, OMIM 613659, HP:0012126.

Allele frequency attached by ClinVar (database versions not stated): gnomAD exomes below 0.00001.

Submissions (5):

Ambry Genetics
Classification: Pathogenic for Hereditary cancer-predisposing syndrome. Last evaluated: 2024-09-03. Review status: criteria provided, single submitter. Criteria: Ambry Variant Classification Scheme 2023. Collection method: clinical testing. Allele origin: germline.
Comment: The p.Q449* pathogenic mutation (also known as c.1345C>T), located in coding exon 5 of the BARD1 gene, results from a C to T substitution at nucleotide position 1345. This changes the amino acid from a glutamine to a stop codon within coding exon 5. This alteration is expected to result in loss of function by premature protein truncation or nonsense-mediated mRNA decay. As such, this alteration is interpreted as a disease-causing mutation.

Myriad Genetics, Inc.
Classification: Pathogenic for Familial cancer of breast. Last evaluated: 2023-05-23. Review status: criteria provided, single submitter. Criteria: Myriad Autosomal Dominant, Autosomal Recessive and X-Linked Classification Criteria (2023). Collection method: clinical testing. Allele origin: unknown.
Comment: This variant is considered pathogenic. This variant creates a termination codon and is predicted to result in premature protein truncation.

Labcorp Genetics (formerly Invitae), Labcorp
Classification: Pathogenic for Familial cancer of breast. Last evaluated: 2023-02-17. Review status: criteria provided, single submitter. Criteria: Invitae Variant Classification Sherloc (09022015). Collection method: clinical testing. Allele origin: germline.
Comment: For these reasons, this variant has been classified as Pathogenic. ClinVar contains an entry for this variant (Variation ID: 479182). This premature translational stop signal has been observed in individual(s) with breast cancer (PMID: 29338689, 32566746). This variant is not present in population databases (gnomAD no frequency). This sequence change creates a premature translational stop signal (p.Gln449*) in the BARD1 gene. It is expected to result in an absent or disrupted protein product. Loss-of-function variants in BARD1 are known to be pathogenic (PMID: 20077502, 21344236).

Cancer Genomics Group, Japanese Foundation For Cancer Research
Classification: Likely pathogenic for Hereditary breast and ovarian cancer syndrome. Last evaluated: 2019-05-01. Review status: criteria provided, single submitter. Criteria: ACMG Guidelines, 2015. Collection method: research. Allele origin: germline. Affected: yes.

Laboratory for Genotyping Development, RIKEN
Classification: Pathogenic for Gastric cancer. Last evaluated: 2021-07-01. Review status: no assertion criteria provided. Collection method: research. Allele origin: germline. Not counted in ClinVar's aggregate classification.

Literature cited by the submitters: PubMed 29338689 (cited by Labcorp Genetics (formerly Invitae), Labcorp); PubMed 32566746 (cited by Labcorp Genetics (formerly Invitae), Labcorp); PubMed 20077502 (cited by Labcorp Genetics (formerly Invitae), Labcorp); PubMed 21344236 (cited by Labcorp Genetics (formerly Invitae), Labcorp); PubMed 36988593 (cited by Laboratory for Genotyping Development, RIKEN).

NM_000465.4(BARD1):c.1345C>T (p.Gln449Ter)

Gene: BARD1 (BRCA1 associated RING domain 1; minus strand). Cytogenetic location: 2q35.
Variant type: single nucleotide variant.
Coding change: c.1345C>T on transcript NM_000465.4 (MANE Select); coding-DNA position 1345, C replaced by T.
Protein change: p.Gln449Ter; replaces glutamine 449 with a stop codon.
Molecular consequence: nonsense. On other transcripts: non-coding transcript variant (3), intron variant (3).
Genome position (GRCh38, 1-based): chr2:214,769,282, G>A on the plus strand (C>T on the coding strand, the complement: BARD1 is on the minus strand). VCF-style: chr2-214769282-G-A. GRCh37 (hg19) VCF-style: chr2-215634006-G-A.
Other names: c.1288C>T, p.Gln430Ter (NM_001282543.2); c.159-16727C>T (NM_001282548.2); c.216-16727C>T (NM_001282545.2); c.364+23015C>T (NM_001282549.2); short protein forms Q449*, Q430*.
Identifiers: ClinVar variation 479182 (VCV000479182.31), dbSNP rs1553619721, ClinGen allele CA350450413.